The following is an entry in ClinVar:

ClinVar aggregate classification (germline): Uncertain significance (1 of 4 stars; one submission).

Conditions:
ARHGEF28-related disorder. Also called: ARHGEF28-related condition.

Allele frequency attached by ClinVar (database versions not stated): gnomAD 0.00002; TOPMed 0.00003; ExAC 0.00007.
gnomAD v4.1: 99 of 1,570,282 alleles (0.0063%); highest among the groups gnomAD compares: Admixed American, 0.0092%; no homozygotes.

Submission:

PreventionGenetics, part of Exact Sciences
Classification: Uncertain significance for ARHGEF28-related condition. Last evaluated: 2023-04-13. Review status: criteria provided, single submitter. Criteria: ACMG Guidelines, 2015. Collection method: clinical testing. Allele origin: germline.
Comment: The ARHGEF28 c.1657C>T variant is predicted to result in the amino acid substitution p.Arg553Cys. To our knowledge, this variant has not been reported in the literature. This variant is reported in 0.0083% of alleles in individuals of European (Non-Finnish) descent in gnomAD. At this time, the clinical significance of this variant is uncertain due to the absence of conclusive functional and genetic evidence.

NM_001177693.2(ARHGEF28):c.1657C>T (p.Arg553Cys)

Gene: ARHGEF28 (Rho guanine nucleotide exchange factor 28; plus strand). Cytogenetic location: 5q13.2.
Variant type: single nucleotide variant.
Coding change: c.1657C>T on transcript NM_001177693.2 (MANE Select); coding-DNA position 1657, C replaced by T.
Protein change: p.Arg553Cys; replaces arginine 553 with cysteine.
Molecular consequence: missense variant.
Genome position (GRCh38, 1-based): chr5:73,848,997, C>T. VCF-style: chr5-73848997-C-T. GRCh37 (hg19) VCF-style: chr5-73144822-C-T.
Other names: c.1657C>T, p.Arg553Cys (NM_001080479.3, NM_001388078.1); c.718C>T, p.Arg240Cys (NM_001244364.2); c.1363C>T, p.Arg455Cys (NM_001388076.1); short protein forms R240C, R455C, R553C.
Identifiers: ClinVar variation 2629292 (VCV002629292.1), dbSNP rs756328784, ClinGen allele CA3304593.